The following is an entry in ClinVar:

NM_000059.4(BRCA2):c.8299C>G (p.Pro2767Ala)

Gene: BRCA2 (BRCA2 DNA repair associated; plus strand). Cytogenetic location: 13q13.1.
Variant type: single nucleotide variant.
Coding change: c.8299C>G on transcript NM_000059.4 (MANE Select); coding-DNA position 8299, C replaced by G.
Protein change: p.Pro2767Ala; replaces proline 2767 with alanine.
Molecular consequence: missense variant.
Genome position (GRCh38, 1-based): chr13:32,363,501, C>G. VCF-style: chr13-32363501-C-G. GRCh37 (hg19) VCF-style: chr13-32937638-C-G.
Other names: short protein forms P2767A.
Identifiers: ClinVar variation 1416936 (VCV001416936.6), dbSNP rs587782619, ClinGen allele CA387750164.

ClinVar aggregate classification (germline): Uncertain significance (1 of 4 stars; one submission).

Conditions:
Hereditary breast ovarian cancer syndrome. Also called: Hereditary breast and ovarian cancer syndrome (HBOC); Breast and ovarian cancer; Hereditary breast and ovarian cancer syndrome; Hereditary breast and/or ovarian cancer syndrome; BRCA1- and BRCA2-Associated Hereditary Breast and Ovarian Cancer; Hereditary breast and ovarian cancer. Identifiers: Orphanet 145, MedGen C0677776, MeSH D061325, MONDO:0003582. Disease mechanism: loss of function.

Submission:

Labcorp Genetics (formerly Invitae), Labcorp
Classification: Uncertain significance for Hereditary breast ovarian cancer syndrome. Last evaluated: 2021-09-18. Review status: criteria provided, single submitter. Criteria: Invitae Variant Classification Sherloc (09022015). Collection method: clinical testing. Allele origin: germline.
Comment: In summary, the available evidence is currently insufficient to determine the role of this variant in disease. Therefore, it has been classified as a Variant of Uncertain Significance. Algorithms developed to predict the effect of sequence changes on RNA splicing suggest that this variant may create or strengthen a splice site. Advanced modeling of protein sequence and biophysical properties (such as structural, functional, and spatial information, amino acid conservation, physicochemical variation, residue mobility, and thermodynamic stability) performed at Invitae indicates that this missense variant is expected to disrupt BRCA2 protein function. This variant has not been reported in the literature in individuals affected with BRCA2-related conditions. This variant is not present in population databases (ExAC no frequency). This sequence change replaces proline with alanine at codon 2767 of the BRCA2 protein (p.Pro2767Ala). The proline residue is highly conserved and there is a small physicochemical difference between proline and alanine.